The following is an entry in ClinVar:

ClinVar aggregate classification (germline): Uncertain significance (1 of 4 stars; one submission).

Conditions:
Intellectual disability, autosomal dominant 14 (CSS2). Also called: COFFIN-SIRIS SYNDROME 2. Identifiers: Orphanet 1465, MedGen C3553247, MONDO:0013819, OMIM 614607.

Submission:

Baylor Genetics
Classification: Uncertain significance for Intellectual disability, autosomal dominant 14. Last evaluated: 2018-07-16. Review status: criteria provided, single submitter. Criteria: ACMG Guidelines, 2015. Collection method: clinical testing. Allele origin: maternal. Affected: yes.
Comment: This variant was determined to be of uncertain significance according to ACMG Guidelines, 2015 [PMID:25741868].

NM_006015.6(ARID1A):c.2380G>A (p.Gly794Arg)

Gene: ARID1A (AT-rich interaction domain 1A; plus strand). Cytogenetic location: 1p36.11.
Variant type: single nucleotide variant.
Coding change: c.2380G>A on transcript NM_006015.6 (MANE Select); coding-DNA position 2380, G replaced by A.
Protein change: p.Gly794Arg; replaces glycine 794 with arginine.
Molecular consequence: missense variant.
Genome position (GRCh38, 1-based): chr1:26,762,280, G>A. VCF-style: chr1-26762280-G-A. GRCh37 (hg19) VCF-style: chr1-27088771-G-A.
Other names: c.2380G>A, p.Gly794Arg (NM_139135.4); short protein forms G794R.
Identifiers: ClinVar variation 1031596 (VCV001031596.1), dbSNP rs2080999624, ClinGen allele CA339155491.